The following is an entry in ClinVar:

ClinVar aggregate classification (germline): Conflicting classifications of pathogenicity. Review status: criteria provided, conflicting classifications (1 of 4 stars). 2 submissions from 2 submitters: Likely pathogenic (1); Uncertain significance (1). Last evaluated 2026-08-09.

Conditions:
Progressive external ophthalmoplegia with mitochondrial DNA deletions, autosomal recessive 1 (PEOB1). Also called: Autosomal Recessive Progressive External Ophthalmoplegia (arPEO); Progressive external ophthalmoplegia, autosomal recessive 1. Identifiers: Orphanet 254886, MedGen C4225153, MONDO:0009783, OMIM 258450.
Progressive sclerosing poliodystrophy (MTDPS4A). Also called: NEURONAL DEGENERATION OF CHILDHOOD WITH LIVER DISEASE, PROGRESSIVE; ALPERS PROGRESSIVE INFANTILE POLIODYSTROPHY; Mitochondrial DNA depletion syndrome 4A (Alpers type); Alpers-Huttenlocher Syndrome (AHS); Alpers Syndrome; ALPERS DIFFUSE DEGENERATION OF CEREBRAL GRAY MATTER WITH HEPATIC CIRRHOSIS. Identifiers: Orphanet 726, MedGen C0205710, MONDO:0008758, OMIM 203700.

Allele frequency attached by ClinVar (database versions not stated): gnomAD 0.00001; TOPMed 0.00001; ExAC 0.00003; 1000 Genomes Project 30x 0.00016; 1000 Genomes Project 0.00020.
gnomAD v4.1: 25 of 1,613,892 alleles (0.0015%); highest among the groups gnomAD compares: Admixed American, 0.005%; no homozygotes.

Submissions (2):

Mendelics
Classification: Likely pathogenic for Progressive external ophthalmoplegia with mitochondrial DNA deletions, autosomal recessive 1. Last evaluated: 2026-08-09. Review status: criteria provided, single submitter. Criteria: Mendelics Assertion Criteria 2017. Collection method: clinical testing. Allele origin: unknown.
Comment: VarIant has GnomAD 4.1.1 frequency of 0.00001549 with no homozygotes. In-silico predictor indicate pathogenicity (CADD, REVEL). Identified in 2 siblings with POLG related disease.

Labcorp Genetics (formerly Invitae), Labcorp
Classification: Uncertain significance for Progressive sclerosing poliodystrophy. Last evaluated: 2023-11-13. Review status: criteria provided, single submitter. Criteria: Invitae Variant Classification Sherloc (09022015). Collection method: clinical testing. Allele origin: germline.
Comment: This sequence change replaces valine, which is neutral and non-polar, with methionine, which is neutral and non-polar, at codon 400 of the POLG protein (p.Val400Met). This variant is present in population databases (rs529639381, gnomAD 0.009%). This missense change has been observed in individual(s) with early onset Parkinsonism (PMID: 35861376). ClinVar contains an entry for this variant (Variation ID: 656231). Advanced modeling of protein sequence and biophysical properties (such as structural, functional, and spatial information, amino acid conservation, physicochemical variation, residue mobility, and thermodynamic stability) performed at Invitae indicates that this missense variant is expected to disrupt POLG protein function with a positive predictive value of 95%. In summary, the available evidence is currently insufficient to determine the role of this variant in disease. Therefore, it has been classified as a Variant of Uncertain Significance.

Literature cited by the submitters: PubMed 35861376 (cited by Labcorp Genetics (formerly Invitae), Labcorp).

NM_002693.3(POLG):c.1198G>A (p.Val400Met)

Gene: POLG (DNA polymerase gamma, catalytic subunit; minus strand). Cytogenetic location: 15q26.1.
Variant type: single nucleotide variant.
Coding change: c.1198G>A on transcript NM_002693.3 (MANE Select); coding-DNA position 1198, G replaced by A.
Protein change: p.Val400Met; replaces valine 400 with methionine.
Molecular consequence: missense variant.
Genome position (GRCh38, 1-based): chr15:89,328,508, C>T on the plus strand (G>A on the coding strand, the complement: POLG is on the minus strand). VCF-style: chr15-89328508-C-T. GRCh37 (hg19) VCF-style: chr15-89871739-C-T.
Other names: c.1198G>A, p.Val400Met (NM_001126131.2); short protein forms V400M.
Identifiers: ClinVar variation 656231 (VCV000656231.11), dbSNP rs529639381, ClinGen allele CA7724919.